The following is an entry in ClinVar:

ClinVar aggregate classification (germline): Uncertain significance (1 of 4 stars; one submission).

Submission:

Women's Health and Genetics/Laboratory Corporation of America, LabCorp
Classification: Uncertain significance. Last evaluated: 2024-06-24. Review status: criteria provided, single submitter. Criteria: LabCorp Variant Classification Summary - May 2015. Collection method: clinical testing. Allele origin: germline.
Comment: Variant summary: The variant involves the duplication of exons 2-10 in the MAGT1 gene. A presumed nomenclature of c.(198+1_199-1)_(*2857_?)dup has been designated for the purposes of this classification. The exact breakpoint at the 3' end of this variant is unknown, therefore this duplication may extend downstream of the annotated region of the gene. As it duplicates the termination codon, its effect on the encoded protein is unknown. The variant allele was found at a frequency of 0.00089 in 15814 control chromosomes in gnomAD (structural variants database) including 2 homozygotes and 4 hemizygotes. This frequency is not significantly higher than estimated for a pathogenic variant in MAGT1 causing X-Linked Immunodeficiency With Magnesium Defect, Epstein-Barr Virus Infection And Neoplasia, however, the presence of the variant in multiple hemizygous and homozygous control individuals suggests that it may be benign. To our knowledge, no occurrence of c.(198+1_199-1)_(*2857_?)dup in individuals affected with X-Linked Immunodeficiency With Magnesium Defect, Epstein-Barr Virus Infection And Neoplasia and no experimental evidence demonstrating its impact on protein function have been reported. ClinVar contains an entry for this variant (Variation ID: 1036771). Based on the evidence outlined above, the variant was classified as VUS-possibly benign.

NC_000023.10:g.(?_77081860)_(77131095_77150805)dup

Gene: MAGT1 (magnesium transporter 1; minus strand). Cytogenetic location: Xq21.1.
Variant type: Duplication.
Identifiers: ClinVar variation 1804843 (VCV001804843.2).